The following is an entry in ClinVar:

NM_001909.5(CTSD):c.241G>A (p.Gly81Arg)

Gene: CTSD (cathepsin D; minus strand). Cytogenetic location: 11p15.5.
Variant type: single nucleotide variant.
Coding change: c.241G>A on transcript NM_001909.5 (MANE Select); coding-DNA position 241, G replaced by A.
Protein change: p.Gly81Arg; replaces glycine 81 with arginine.
Molecular consequence: missense variant.
Genome position (GRCh38, 1-based): chr11:1,759,627, C>T on the plus strand (G>A on the coding strand, the complement: CTSD is on the minus strand). VCF-style: chr11-1759627-C-T. GRCh37 (hg19) VCF-style: chr11-1780857-C-T.
Other names: p.G81R:GGG>AGG; p.Gly81Arg; short protein forms G81R.
Identifiers: ClinVar variation 205349 (VCV000205349.8), dbSNP rs199551387, ClinGen allele CA314340.

ClinVar aggregate classification (germline): Uncertain significance. Review status: criteria provided, multiple submitters, no conflicts (2 of 4 stars). 3 submissions from 3 submitters: Uncertain significance (3). Last evaluated 2024-02-14.

Conditions:
Neuronal ceroid lipofuscinosis. Also called: Neuronal Ceroid Lipofuscinoses. Identifiers: Orphanet 216, Orphanet 79263, MedGen C0027877, MONDO:0016295. Disease mechanism: loss of function.

Allele frequency attached by ClinVar (database versions not stated): ExAC 0.00004; gnomAD exomes 0.00004 and 0.00002; 1000 Genomes Project 30x 0.00016; 1000 Genomes Project 0.00020; gnomAD 0.00001; TOPMed 0.00001.
gnomAD v4.1: 33 of 1,613,218 alleles (0.002%); highest among the groups gnomAD compares: Admixed American, 0.0017%; no homozygotes.

Submissions (3):

Mayo Clinic Laboratories, Mayo Clinic
Classification: Uncertain significance. Last evaluated: 2024-02-14. Review status: criteria provided, single submitter. Criteria: ACMG Guidelines, 2015. Collection method: clinical testing. Allele origin: germline. Observed: 1 variant allele.

Labcorp Genetics (formerly Invitae), Labcorp
Classification: Uncertain significance for Neuronal ceroid lipofuscinosis. Last evaluated: 2022-09-01. Review status: criteria provided, single submitter. Criteria: Invitae Variant Classification Sherloc (09022015). Collection method: clinical testing. Allele origin: germline.
Comment: This sequence change replaces glycine, which is neutral and non-polar, with arginine, which is basic and polar, at codon 81 of the CTSD protein (p.Gly81Arg). This variant is present in population databases (rs199551387, gnomAD 0.04%). This variant has not been reported in the literature in individuals affected with CTSD-related conditions. ClinVar contains an entry for this variant (Variation ID: 205349). Algorithms developed to predict the effect of missense changes on protein structure and function are either unavailable or do not agree on the potential impact of this missense change (SIFT: "Deleterious"; PolyPhen-2: "Probably Damaging"; Align-GVGD: "Class C0"). In summary, the available evidence is currently insufficient to determine the role of this variant in disease. Therefore, it has been classified as a Variant of Uncertain Significance.

GeneDx
Classification: Uncertain significance. Last evaluated: 2020-08-20. Review status: criteria provided, single submitter. Criteria: GeneDx Variant Classification Process June 2021. Collection method: clinical testing. Allele origin: germline. Affected: yes.
Comment: In silico analysis supports that this missense variant has a deleterious effect on protein structure/function; Has not been previously published as pathogenic or benign to our knowledge